The following is an entry in ClinVar:

NM_003240.5(LEFTY2):c.198G>A (p.Arg66=)

Gene: LEFTY2 (left-right determination factor 2; minus strand). Cytogenetic location: 1q42.12.
Variant type: single nucleotide variant.
Coding change: c.198G>A on transcript NM_003240.5 (MANE Select); coding-DNA position 198, G replaced by A.
Protein change: p.Arg66=; no amino-acid change (arginine 66 retained).
Molecular consequence: synonymous variant.
Genome position (GRCh38, 1-based): chr1:225,940,943, C>T on the plus strand (G>A on the coding strand, the complement: LEFTY2 is on the minus strand). VCF-style: chr1-225940943-C-T. GRCh37 (hg19) VCF-style: chr1-226128643-C-T.
Other names: c.198G>A, p.Arg66= (NM_001172425.3).
Identifiers: ClinVar variation 536418 (VCV000536418.11), dbSNP rs374435067, ClinGen allele CA1420675.

ClinVar aggregate classification (germline): Benign. Review status: criteria provided, multiple submitters, no conflicts (2 of 4 stars). 2 submissions from 2 submitters: Benign (2). Last evaluated 2023-04-06.

Conditions:
Left-right axis malformations. Identifiers: MedGen C1866091.

Allele frequency attached by ClinVar (database versions not stated): gnomAD below 0.00001 and 0.00019; TOPMed 0.00006; gnomAD exomes 0.00040 and 0.00075; ExAC 0.00091; 1000 Genomes Project 0.00180; 1000 Genomes Project 30x 0.00187.
gnomAD v4.1: 609 of 1,613,714 alleles (0.038%); highest among the groups gnomAD compares: South Asian, 0.63%; 3 homozygotes.

Submissions (2):

Labcorp Genetics (formerly Invitae), Labcorp
Classification: Benign for Left-right axis malformations. Last evaluated: 2023-04-06. Review status: criteria provided, single submitter. Criteria: Invitae Variant Classification Sherloc (09022015). Collection method: clinical testing. Allele origin: germline.

Illumina Laboratory Services, Illumina
Classification: Benign for Left-right axis malformations. Last evaluated: 2018-01-12. Review status: criteria provided, single submitter. Criteria: ICSL Variant Classification Criteria 13 December 2019. Collection method: clinical testing. Allele origin: germline.
Comment: This variant was observed in the ICSL laboratory as part of a predisposition screen in an ostensibly healthy population. It had not been previously curated by ICSL or reported in the Human Gene Mutation Database (HGMD: prior to June 1st, 2018), and was therefore a candidate for classification through an automated scoring system. Utilizing variant allele frequency, disease prevalence and penetrance estimates, and inheritance mode, an automated score was calculated to assess if this variant is too frequent to cause the disease. Based on the score and internal cut-off values, a variant classified as benign is not then subjected to further curation. The score for this variant resulted in a classification of benign for this disease.